The following is an entry in ClinVar:

ClinVar aggregate classification (germline): Benign (1 of 4 stars; one submission).

Conditions:
Hereditary leiomyomatosis and renal cell cancer. Also called: MULTIPLE CUTANEOUS AND UTERINE LEIOMYOMATA 1, WITH OR WITHOUT RENAL CELL CARCINOMA; LEIOMYOMA, MULTIPLE CUTANEOUS; FH tumor predisposition syndrome; Reed syndrome; Multiple cutaneous and uterine leiomyomatosis; Cutaneous leiomyomata with uterine leiomyomata. Identifiers: Orphanet 523, MedGen C1708350, MONDO:0007888, OMIM 150800, HP:0007437. Disease mechanism: loss of function.

Submission:

Myriad Genetics, Inc.
Classification: Benign for Hereditary leiomyomatosis and renal cell cancer. Last evaluated: 2024-10-21. Review status: criteria provided, single submitter. Criteria: Myriad Autosomal Dominant, Autosomal Recessive and X-Linked Classification Criteria (2023). Collection method: clinical testing. Allele origin: unknown.
Comment: This variant is considered benign. This variant is a silent/synonymous amino acid change and it is not expected to impact splicing.

NM_000143.4(FH):c.1185T>C (p.Thr395=)

Gene: FH (fumarate hydratase; minus strand). Cytogenetic location: 1q43.
Variant type: single nucleotide variant.
Coding change: c.1185T>C on transcript NM_000143.4 (MANE Select); coding-DNA position 1185, T replaced by C.
Protein change: p.Thr395=; no amino-acid change (threonine 395 retained).
Molecular consequence: synonymous variant.
Genome position (GRCh38, 1-based): chr1:241,502,494, A>G on the plus strand (T>C on the coding strand, the complement: FH is on the minus strand). VCF-style: chr1-241502494-A-G. GRCh37 (hg19) VCF-style: chr1-241665794-A-G.
Identifiers: ClinVar variation 3773005 (VCV003773005.1).
Genomic context (GRCh38, chr1:241,502,494, plus strand): 5'-AAAGCTTACCATCATTGGCTTGAAAACATTCAACTCAAAATGTCCATTGCTGCCTCCGAC[A>G]GTGACAGCAACATGGTTCCCCATGACTTGGGCTGCAACCATGGTCATTGCTTCACACTGA-3'
Protein context (NP_000134.2, residues 385-405): AQVMGNHVAV[Thr395=]VGGSNGHFEL